The following is an entry in ClinVar:

ClinVar aggregate classification (germline): Uncertain significance (1 of 4 stars; one submission).

Conditions:
Muscle AMP deaminase deficiency (MMDD). Also called: Myoadenylate deaminase deficiency, myopathy due to; Adenosine monophosphate deaminase 1 deficiency; AMP deaminase 1 deficiency; Adenosine Monophosphate Deaminase 1; AMPD1 DEFICIENCY; ADENOSINE MONOPHOSPHATE DEAMINASE-1 DEFICIENCY, MYOPATHY DUE TO. Identifiers: Orphanet 45, MedGen C3714933, MONDO:0014220, OMIM 615511.

Allele frequency attached by ClinVar (database versions not stated): gnomAD exomes 0.00001; gnomAD 0.00002; TOPMed 0.00002; ExAC 0.00003; ESP Exome Variant Server 0.00008.
gnomAD v4.1: 19 of 1,614,036 alleles (0.0012%); highest among the groups gnomAD compares: Non-Finnish European, 0.00017%; no homozygotes.

Submission:

Labcorp Genetics (formerly Invitae), Labcorp
Classification: Uncertain significance for Muscle AMP deaminase deficiency. Last evaluated: 2024-02-24. Review status: criteria provided, single submitter. Criteria: Invitae Variant Classification Sherloc (09022015). Collection method: clinical testing. Allele origin: germline.
Comment: This sequence change replaces serine, which is neutral and polar, with threonine, which is neutral and polar, at codon 98 of the AMPD1 protein (p.Ser98Thr). This variant is present in population databases (rs371228362, gnomAD 0.02%). This variant has not been reported in the literature in individuals affected with AMPD1-related conditions. ClinVar contains an entry for this variant (Variation ID: 2158093). Algorithms developed to predict the effect of missense changes on protein structure and function output the following: SIFT: "Not Available"; PolyPhen-2: "Benign"; Align-GVGD: "Not Available". The threonine amino acid residue is found in multiple mammalian species, which suggests that this missense change does not adversely affect protein function. In summary, the available evidence is currently insufficient to determine the role of this variant in disease. Therefore, it has been classified as a Variant of Uncertain Significance.

NM_000036.3(AMPD1):c.193T>A (p.Ser65Thr)

Gene: AMPD1 (adenosine monophosphate deaminase 1; minus strand). Cytogenetic location: 1p13.2.
Variant type: single nucleotide variant.
Coding change: c.193T>A on transcript NM_000036.3 (MANE Select); coding-DNA position 193, T replaced by A.
Protein change: p.Ser65Thr; replaces serine 65 with threonine.
Molecular consequence: missense variant.
Genome position (GRCh38, 1-based): chr1:114,688,583, A>T on the plus strand (T>A on the coding strand, the complement: AMPD1 is on the minus strand). VCF-style: chr1-114688583-A-T. GRCh37 (hg19) VCF-style: chr1-115231204-A-T.
Other names: c.181T>A, p.Ser61Thr (NM_001172626.2); short protein forms S65T, S61T.
Identifiers: ClinVar variation 2158093 (VCV002158093.3), dbSNP rs371228362, ClinGen allele CA1020534.